The following is an entry in ClinVar:

NM_006361.6(HOXB13):c.346G>A (p.Ala116Thr)

Gene: HOXB13 (homeobox B13; minus strand). Cytogenetic location: 17q21.32.
Variant type: single nucleotide variant.
Coding change: c.346G>A on transcript NM_006361.6 (MANE Select); coding-DNA position 346, G replaced by A.
Protein change: p.Ala116Thr; replaces alanine 116 with threonine.
Molecular consequence: missense variant.
Genome position (GRCh38, 1-based): chr17:48,728,248, C>T on the plus strand (G>A on the coding strand, the complement: HOXB13 is on the minus strand). VCF-style: chr17-48728248-C-T. GRCh37 (hg19) VCF-style: chr17-46805610-C-T.
Other names: short protein forms A116T.
Identifiers: ClinVar variation 2848589 (VCV002848589.3), dbSNP rs2038235068, ClinGen allele CA400107654.

ClinVar aggregate classification (germline): Uncertain significance (1 of 4 stars; one submission).

Allele frequency attached by ClinVar (database versions not stated): gnomAD 0.00001.
gnomAD v4.1: 1 of 1,614,064 alleles (0.000062%); highest among the groups gnomAD compares: South Asian, 0.0011%; no homozygotes.

Submission:

Labcorp Genetics (formerly Invitae), Labcorp
Classification: Uncertain significance. Last evaluated: 2023-03-22. Review status: criteria provided, single submitter. Criteria: Invitae Variant Classification Sherloc (09022015). Collection method: clinical testing. Allele origin: germline.
Comment: In summary, the available evidence is currently insufficient to determine the role of this variant in disease. Therefore, it has been classified as a Variant of Uncertain Significance. Advanced modeling of protein sequence and biophysical properties (such as structural, functional, and spatial information, amino acid conservation, physicochemical variation, residue mobility, and thermodynamic stability) performed at Invitae indicates that this missense variant is not expected to disrupt HOXB13 protein function. This variant has not been reported in the literature in individuals affected with HOXB13-related conditions. This variant is not present in population databases (gnomAD no frequency). This sequence change replaces alanine, which is neutral and non-polar, with threonine, which is neutral and polar, at codon 116 of the HOXB13 protein (p.Ala116Thr).